The following is an entry in ClinVar:

ClinVar aggregate classification (germline): Uncertain significance (1 of 4 stars; one submission).

Allele frequency attached by ClinVar (database versions not stated): gnomAD 0.00001; TOPMed 0.00002.
gnomAD v4.1: 11 of 1,612,364 alleles (0.00068%); highest among the groups gnomAD compares: Admixed American, 0.018%; no homozygotes.

Submission:

Labcorp Genetics (formerly Invitae), Labcorp
Classification: Uncertain significance. Last evaluated: 2025-12-08. Review status: criteria provided, single submitter. Criteria: Invitae Variant Classification Sherloc (09022015). Collection method: clinical testing. Allele origin: germline.
Comment: This sequence change replaces proline, which is neutral and non-polar, with arginine, which is basic and polar, at codon 660 of the KL protein (p.Pro660Arg). This variant is present in population databases (rs759976211, gnomAD 0.02%). This variant has not been reported in the literature in individuals affected with KL-related conditions. ClinVar contains an entry for this variant (Variation ID: 1909799). Invitae Evidence Modeling of protein sequence and biophysical properties (such as structural, functional, and spatial information, amino acid conservation, physicochemical variation, residue mobility, and thermodynamic stability) indicates that this missense variant is not expected to disrupt KL protein function with a negative predictive value of 80%. In summary, the available evidence is currently insufficient to determine the role of this variant in disease. Therefore, it has been classified as a Variant of Uncertain Significance.

NM_004795.4(KL):c.1979C>G (p.Pro660Arg)

Gene: KL (klotho; plus strand). Cytogenetic location: 13q13.1.
Variant type: single nucleotide variant.
Coding change: c.1979C>G on transcript NM_004795.4 (MANE Select); coding-DNA position 1979, C replaced by G.
Protein change: p.Pro660Arg; replaces proline 660 with arginine.
Molecular consequence: missense variant.
Genome position (GRCh38, 1-based): chr13:33,061,058, C>G. VCF-style: chr13-33061058-C-G. GRCh37 (hg19) VCF-style: chr13-33635195-C-G.
Other names: short protein forms P660R.
Identifiers: ClinVar variation 1909799 (VCV001909799.5), dbSNP rs759976211, ClinGen allele CA6944221.